The following is an entry in ClinVar:

ClinVar aggregate classification (germline): Uncertain significance (1 of 4 stars; one submission).

Conditions:
FG syndrome (FGS). Identifiers: MedGen C0220769, MONDO:0002010.

Submission:

Labcorp Genetics (formerly Invitae), Labcorp
Classification: Uncertain significance for FG syndrome. Last evaluated: 2021-07-23. Review status: criteria provided, single submitter. Criteria: Invitae Variant Classification Sherloc (09022015). Collection method: clinical testing. Allele origin: germline.
Comment: In summary, the available evidence is currently insufficient to determine the role of this variant in disease. Therefore, it has been classified as a Variant of Uncertain Significance. Experimental studies and prediction algorithms are not available or were not evaluated, and the functional significance of this variant is currently unknown. This variant has not been reported in the literature in individuals affected with MED12-related conditions. This variant is not present in population databases (ExAC no frequency). This variant, c.5487_5492dup, results in the insertion of 2 amino acid(s) to the MED12 protein (p.Thr1830_His1831insGlnThr), but otherwise preserves the integrity of the reading frame.

NM_005120.3(MED12):c.5487_5492dup (p.Thr1830_His1831insGlnThr)

Gene: MED12 (mediator complex subunit 12; plus strand). Cytogenetic location: Xq13.1.
Variant type: Duplication.
Coding change: c.5487_5492dup on transcript NM_005120.3 (MANE Select); coding-DNA positions 5487 to 5492, 6 bases duplicated (AACACA; older notation c.5487_5492dupAACACA).
Protein change: p.Thr1830_His1831insGlnThr.
Molecular consequence: inframe insertion.
Genome position (GRCh38, 1-based): chrX:71,136,965-71,136,970, AACACA duplicated. VCF-style (leftmost placement, unchanged base first): chrX-71136964-T-TAACACA. GRCh37 (hg19) VCF-style: chrX-70356814-T-TAACACA.
Identifiers: ClinVar variation 1369380 (VCV001369380.8), dbSNP rs2092334189, ClinGen allele CA2436357547.